The following is an entry in ClinVar:

NM_001917.5(DAO):c.717A>G (p.Gly239=)

Gene: DAO (D-amino acid oxidase; plus strand). Cytogenetic location: 12q24.11.
Variant type: single nucleotide variant.
Coding change: c.717A>G on transcript NM_001917.5 (MANE Select); coding-DNA position 717, A replaced by G.
Protein change: p.Gly239=; no amino-acid change (glycine 239 retained).
Molecular consequence: synonymous variant. On other transcripts: intron variant (1).
Genome position (GRCh38, 1-based): chr12:108,898,700, A>G. VCF-style: chr12-108898700-A-G. GRCh37 (hg19) VCF-style: chr12-109292476-A-G.
Other names: c.717A>G, p.Gly239= (NM_001413634.1); c.696-677A>G (NM_001413635.1).
Identifiers: ClinVar variation 3348720 (VCV003348720.1).

ClinVar aggregate classification (germline): Likely benign (0 of 4 stars; one submission).

Conditions:
DAO-related disorder. Also called: DAO-related condition.

gnomAD v4.1: 1 of 1,613,092 alleles (0.000062%); highest among the groups gnomAD compares: Non-Finnish European, 0.000085%; no homozygotes.

Submission:

PreventionGenetics, part of Exact Sciences
Classification: Likely benign for DAO-related condition. Last evaluated: 2023-09-05. Review status: no assertion criteria provided. Collection method: clinical testing. Allele origin: germline.
Comment: This variant is classified as likely benign based on ACMG/AMP sequence variant interpretation guidelines (Richards et al. 2015 PMID: 25741868, with internal and published modifications).